The following is an entry in ClinVar:

NM_004380.3(CREBBP):c.2095C>T (p.Gln699Ter)

Gene: CREBBP (CREB binding lysine acetyltransferase; minus strand). Cytogenetic location: 16p13.3.
Variant type: single nucleotide variant.
Coding change: c.2095C>T on transcript NM_004380.3 (MANE Select); coding-DNA position 2095, C replaced by T.
Protein change: p.Gln699Ter; replaces glutamine 699 with a stop codon.
Molecular consequence: nonsense.
Genome position (GRCh38, 1-based): chr16:3,778,029, G>A on the plus strand (C>T on the coding strand, the complement: CREBBP is on the minus strand). VCF-style: chr16-3778029-G-A. GRCh37 (hg19) VCF-style: chr16-3828030-G-A.
Other names: c.1981C>T, p.Gln661Ter (NM_001079846.1); short protein forms Q661*, Q699*.
Identifiers: ClinVar variation 3347733 (VCV003347733.1).

ClinVar aggregate classification (germline): Likely pathogenic (0 of 4 stars; one submission).

Conditions:
CREBBP-related disorder. Also called: CREBBP-related condition; CREBBP-related disorders.

Submission:

PreventionGenetics, part of Exact Sciences
Classification: Likely pathogenic for CREBBP-related condition. Last evaluated: 2024-08-30. Review status: no assertion criteria provided. Collection method: clinical testing. Allele origin: germline.
Comment: The CREBBP c.2095C>T variant is predicted to result in premature protein termination (p.Gln699*). To our knowledge, this variant has not been reported in the literature or in a large population database, indicating this variant is rare. Nonsense variants in CREBBP are expected to be pathogenic. This variant is interpreted as likely pathogenic.